The following is an entry in ClinVar:

ClinVar aggregate classification (germline): Uncertain significance (1 of 4 stars; one submission).

Conditions:
Encephalopathy, acute, infection-induced (herpes-specific), susceptibility to, 1. Also called: Herpes simplex encephalitis, susceptibility to, 1. Identifiers: Orphanet 1930, MedGen C2750180, MONDO:0024563, OMIM 610551.

Allele frequency attached by ClinVar (database versions not stated): gnomAD 0.00001; TOPMed 0.00001.
gnomAD v4.1: 4 of 1,558,194 alleles (0.00026%); highest among the groups gnomAD compares: South Asian, 0.0024%; no homozygotes.

Submission:

Labcorp Genetics (formerly Invitae), Labcorp
Classification: Uncertain significance for Encephalopathy, acute, infection-induced (herpes-specific), susceptibility to, 1. Last evaluated: 2021-08-18. Review status: criteria provided, single submitter. Criteria: Invitae Variant Classification Sherloc (09022015). Collection method: clinical testing. Allele origin: germline.
Comment: This sequence change replaces arginine with cysteine at codon 320 of the UNC93B1 protein (p.Arg320Cys). The arginine residue is highly conserved and there is a large physicochemical difference between arginine and cysteine. This variant is not present in population databases (ExAC no frequency). This variant has not been reported in the literature in individuals with UNC93B1-related disease. Algorithms developed to predict the effect of missense changes on protein structure and function (SIFT, PolyPhen-2) both suggest that this variant is likely to be disruptive, but these predictions have not been confirmed by published functional studies and their clinical significance is uncertain. In summary, the available evidence is currently insufficient to determine the role of this variant in disease. Therefore, it has been classified as a Variant of Uncertain Significance.

NM_030930.4(UNC93B1):c.958C>T (p.Arg320Cys)

Gene: UNC93B1 (unc-93B1 regulator of TLR signaling; minus strand). Cytogenetic location: 11q13.2.
Variant type: single nucleotide variant.
Coding change: c.958C>T on transcript NM_030930.4 (MANE Select); coding-DNA position 958, C replaced by T.
Protein change: p.Arg320Cys; replaces arginine 320 with cysteine.
Molecular consequence: missense variant.
Genome position (GRCh38, 1-based): chr11:67,996,733, G>A on the plus strand (C>T on the coding strand, the complement: UNC93B1 is on the minus strand). VCF-style: chr11-67996733-G-A. GRCh37 (hg19) VCF-style: chr11-67764204-G-A.
Other names: short protein forms R320C.
Identifiers: ClinVar variation 569232 (VCV000569232.7), dbSNP rs1565124797, ClinGen allele CA381572982.